The following is an entry in ClinVar:

NM_000393.5(COL5A2):c.1618-7G>A

Gene: COL5A2 (collagen type V alpha 2 chain; minus strand). Cytogenetic location: 2q32.2.
Variant type: single nucleotide variant.
Coding change: c.1618-7G>A on transcript NM_000393.5 (MANE Select); 7 bases into the intron before coding-DNA position 1618, G replaced by A.
Molecular consequence: intron variant.
Genome position (GRCh38, 1-based): chr2:189,064,662, C>T on the plus strand (G>A on the coding strand, the complement: COL5A2 is on the minus strand). VCF-style: chr2-189064662-C-T. GRCh37 (hg19) VCF-style: chr2-189929388-C-T.
Other names: c.1618-7G>A (NM_000393.3).
Identifiers: ClinVar variation 1522929 (VCV001522929.6), dbSNP rs77456219, ClinGen allele CA62554577.
Genomic context (GRCh38, chr2:189,064,662, plus strand): 5'-CTGGCTTCCTTTGGGTCCTGAAGAACCTACAGGACCCCGTTCTCCTTGAGCACCCTGTAC[C>T]GAGGCAAAGCAGATGCATGAAGAAAAAGAGTATAGAAAAACAAAAGCAAGCAGAAGTAAA-3'

ClinVar aggregate classification (germline): Uncertain significance. Review status: criteria provided, multiple submitters, no conflicts (2 of 4 stars). 3 submissions from 3 submitters: Uncertain significance (3). Last evaluated 2025-05-14.

Conditions:
Familial thoracic aortic aneurysm and aortic dissection (TAAD). Also called: Thoracic aortic aneurysms and dissections. Identifiers: Orphanet 91387, MedGen C4707243, MONDO:0019625.
Ehlers-Danlos syndrome, classic type, 1 (EDSCL1). Also called: EHLERS-DANLOS SYNDROME, GRAVIS TYPE; EHLERS-DANLOS SYNDROME, SEVERE CLASSIC TYPE; Ehlers-Danlos syndrome, type 1; Ehlers-Danlos Syndrome, Classic Type, COL5A1-Related; EDS I. Identifiers: MedGen C0268335, MONDO:0019567, OMIM 130000.

Allele frequency attached by ClinVar (database versions not stated): gnomAD exomes 0.00002 and 0.00001.
gnomAD v4.1: 21 of 1,595,212 alleles (0.0013%); highest among the groups gnomAD compares: Admixed American, 0.0033%; no homozygotes.

Submissions (3):

GeneDx
Classification: Uncertain significance. Last evaluated: 2025-05-14. Review status: criteria provided, single submitter. Criteria: GeneDx Variant Classification Process June 2021. Collection method: clinical testing. Allele origin: germline. Affected: yes.
Comment: Not observed at significant frequency in large population cohorts (gnomAD); In silico analysis supports a deleterious effect on splicing; This variant is associated with the following publications: (PMID: 30675029)

Ambry Genetics
Classification: Uncertain significance for Familial thoracic aortic aneurysm and aortic dissection. Last evaluated: 2023-06-15. Review status: criteria provided, single submitter. Criteria: Ambry Variant Classification Scheme 2023. Collection method: clinical testing. Allele origin: germline.
Comment: The c.1618-7G>A intronic variant results from a G to A substitution 7 nucleotide(s) before coding exon 25 of the COL5A2 gene. Based on data from gnomAD, the A allele has an overall frequency of 0.002% (4/250796) total alleles studied. The highest observed frequency was 0.016% (1/6128) of Other alleles. This variant was identified in an individual with bicuspid aortic valve, weak skeletal features, and no skin abnormalities in conjunction with a TGFBR1 variant (Renner, 2019). This nucleotide position is well conserved in available vertebrate species. In silico splice site analysis predicts that this alteration will result in the creation or strengthening of a novel splice acceptor site. Based on insufficient or conflicting evidence, the clinical significance of this alteration remains unclear.

Labcorp Genetics (formerly Invitae), Labcorp
Classification: Uncertain significance for Ehlers-Danlos syndrome, classic type, 1. Last evaluated: 2022-07-06. Review status: criteria provided, single submitter. Criteria: Invitae Variant Classification Sherloc (09022015). Collection method: clinical testing. Allele origin: germline.
Comment: This sequence change falls in intron 24 of the COL5A2 gene. It does not directly change the encoded amino acid sequence of the COL5A2 protein. This variant is present in population databases (rs77456219, gnomAD 0.007%). This variant has not been reported in the literature in individuals affected with COL5A2-related conditions. ClinVar contains an entry for this variant (Variation ID: 1522929). Algorithms developed to predict the effect of sequence changes on RNA splicing suggest that this variant may create or strengthen a splice site. In summary, the available evidence is currently insufficient to determine the role of this variant in disease. Therefore, it has been classified as a Variant of Uncertain Significance.

Literature cited by the submitters: PubMed 30675029 (cited by Ambry Genetics).